The following is an entry in ClinVar:

NM_004370.6(COL12A1):c.6247C>A (p.Gln2083Lys)

Gene: COL12A1 (collagen type XII alpha 1 chain; minus strand). Cytogenetic location: 6q13.
Variant type: single nucleotide variant.
Coding change: c.6247C>A on transcript NM_004370.6 (MANE Select); coding-DNA position 6247, C replaced by A.
Protein change: p.Gln2083Lys; replaces glutamine 2083 with lysine.
Molecular consequence: missense variant.
Genome position (GRCh38, 1-based): chr6:75,128,389, G>T on the plus strand (C>A on the coding strand, the complement: COL12A1 is on the minus strand). VCF-style: chr6-75128389-G-T. GRCh37 (hg19) VCF-style: chr6-75838105-G-T.
Other names: c.6247C>A, p.Gln2083Lys (NM_001424113.1); c.6226C>A, p.Gln2076Lys (NM_001424114.1); c.5974C>A, p.Gln1992Lys (NM_001424115.1); c.2755C>A, p.Gln919Lys (NM_001424116.1, NM_080645.3); short protein forms Q1992K, Q2076K, Q2083K, Q919K.
Identifiers: ClinVar variation 3750569 (VCV003750569.2).
Genomic context (GRCh38, chr6:75,128,389, plus strand): 5'-CTCCATCTTCATAAACAGCAATAACAGTAATTTTATATGGAGTGTCAGGTTGCAGGGGCT[G>T]CAGTATTACATTGTTTCTTCTGCCTGGGACTGTGGTCTATAGAGGAAGTTAAATTATAAA-3'
Protein context (NP_004361.3, residues 2073-2093): VPGRRNNVIL[Gln2083Lys]PLQPDTPYKI

ClinVar aggregate classification (germline): Uncertain significance (1 of 4 stars; one submission).

Conditions:
Ullrich congenital muscular dystrophy 2 (UCMD2). Identifiers: Orphanet 75840, MedGen C4225314, MONDO:0014654, OMIM 616470.
Bethlem myopathy 2 (BTHLM2). Identifiers: Orphanet 536516, Orphanet 610, MedGen C4225313, MONDO:0034022, OMIM 616471.

Submission:

Labcorp Genetics (formerly Invitae), Labcorp
Classification: Uncertain significance for Bethlem myopathy 2; Ullrich congenital muscular dystrophy 2. Last evaluated: 2024-09-19. Review status: criteria provided, single submitter. Criteria: Invitae Variant Classification Sherloc (09022015). Collection method: clinical testing. Allele origin: germline.
Comment: This sequence change replaces glutamine, which is neutral and polar, with lysine, which is basic and polar, at codon 2083 of the COL12A1 protein (p.Gln2083Lys). This variant is not present in population databases (gnomAD no frequency). This variant has not been reported in the literature in individuals affected with COL12A1-related conditions. Invitae Evidence Modeling of protein sequence and biophysical properties (such as structural, functional, and spatial information, amino acid conservation, physicochemical variation, residue mobility, and thermodynamic stability) indicates that this missense variant is not expected to disrupt COL12A1 protein function with a negative predictive value of 80%. In summary, the available evidence is currently insufficient to determine the role of this variant in disease. Therefore, it has been classified as a Variant of Uncertain Significance.